The following is an entry in ClinVar:

ClinVar aggregate classification (germline): Likely benign. Review status: criteria provided, multiple submitters, no conflicts (2 of 4 stars). 3 submissions from 3 submitters: Likely benign (3). Last evaluated 2025-04-20.

Conditions:
RYR1-related disorder. Also called: RYR1-related condition; RYR1-related disorders. Identifiers: MedGen CN239331.
Malignant hyperthermia, susceptibility to, 1 (MHS1). Also called: Anesthesia related hyperthermia; Malignant hyperpyrexia; Fulminating hyperpyrexia; Pharmacogenic myopathy; Malignant hyperthermia suceptibility 1; RYR1-Related Malignant Hyperthermia Susceptibility. Identifiers: Orphanet 423, MedGen C2930980, MONDO:0007783, OMIM 145600.

Allele frequency attached by ClinVar (database versions not stated): gnomAD exomes below 0.00001; ExAC 0.00001; TOPMed 0.00001.

Submissions (3):

Labcorp Genetics (formerly Invitae), Labcorp
Classification: Likely benign for RYR1-related disorder. Last evaluated: 2025-04-20. Review status: criteria provided, single submitter. Criteria: Invitae Variant Classification Sherloc (09022015). Collection method: clinical testing. Allele origin: germline.

All of Us Research Program, National Institutes of Health
Classification: Likely benign for Malignant hyperthermia, susceptibility to, 1. Last evaluated: 2024-06-09. Review status: criteria provided, single submitter. Criteria: ACMG Guidelines, 2015. Collection method: clinical testing. Allele origin: germline. Inheritance: Autosomal dominant inheritance. Observed: 2 variant alleles, 2 heterozygotes.
Comment: This study involves interpretation of variants in research participants for the purpose of population health screening. Participant phenotype was not available at the time of variant classification. Additional details can be found in publication PMID: 35346344, PMCID: PMC8962531

Color Diagnostics, LLC DBA Color Health
Classification: Likely benign for Malignant hyperthermia, susceptibility to, 1. Last evaluated: 2023-06-21. Review status: criteria provided, single submitter. Criteria: ACMG Guidelines, 2015. Collection method: clinical testing. Allele origin: germline.

NM_000540.3(RYR1):c.11892C>T (p.Leu3964=)

Gene: RYR1 (ryanodine receptor 1; plus strand). Cytogenetic location: 19q13.2.
Variant type: single nucleotide variant.
Coding change: c.11892C>T on transcript NM_000540.3 (MANE Select); coding-DNA position 11892, C replaced by T.
Protein change: p.Leu3964=; no amino-acid change (leucine 3964 retained).
Molecular consequence: synonymous variant.
Genome position (GRCh38, 1-based): chr19:38,543,645, C>T. VCF-style: chr19-38543645-C-T. GRCh37 (hg19) VCF-style: chr19-39034285-C-T.
Other names: c.11877C>T, p.Leu3959= (NM_001042723.2).
Identifiers: ClinVar variation 1612628 (VCV001612628.11), dbSNP rs755656930, ClinGen allele CA057744.